The following is an entry in ClinVar:

ClinVar aggregate classification (germline): Uncertain significance (1 of 4 stars; one submission).

Allele frequency attached by ClinVar (database versions not stated): gnomAD 0.00001; gnomAD exomes 0.00001; TOPMed 0.00001; ExAC 0.00004.
gnomAD v4.1: 18 of 1,614,024 alleles (0.0011%); highest among the groups gnomAD compares: Middle Eastern, 0.066%; no homozygotes.

Submission:

Labcorp Genetics (formerly Invitae), Labcorp
Classification: Uncertain significance. Last evaluated: 2022-09-21. Review status: criteria provided, single submitter. Criteria: Invitae Variant Classification Sherloc (09022015). Collection method: clinical testing. Allele origin: germline.
Comment: Algorithms developed to predict the effect of sequence changes on RNA splicing suggest that this variant may create or strengthen a splice site. In summary, the available evidence is currently insufficient to determine the role of this variant in disease. Therefore, it has been classified as a Variant of Uncertain Significance. Advanced modeling of protein sequence and biophysical properties (such as structural, functional, and spatial information, amino acid conservation, physicochemical variation, residue mobility, and thermodynamic stability) performed at Invitae indicates that this missense variant is not expected to disrupt ALDH6A1 protein function. This variant has not been reported in the literature in individuals affected with ALDH6A1-related conditions. This variant is present in population databases (rs757981230, gnomAD 0.009%). This sequence change replaces asparagine, which is neutral and polar, with serine, which is neutral and polar, at codon 453 of the ALDH6A1 protein (p.Asn453Ser).

NM_005589.4(ALDH6A1):c.1358A>G (p.Asn453Ser)

Genes: ALDH6A1 (aldehyde dehydrogenase 6 family member A1; minus strand), BBOF1 (basal body orientation factor 1; plus strand). Cytogenetic location: 14q24.3.
Variant type: single nucleotide variant.
Coding change: c.1358A>G on transcript NM_005589.4 (MANE Select); coding-DNA position 1358, A replaced by G.
Protein change: p.Asn453Ser; replaces asparagine 453 with serine.
Molecular consequence: missense variant. On other transcripts: 3 prime UTR variant (1).
Genome position (GRCh38, 1-based): chr14:74,065,227, T>C on the plus strand (A>G on the coding strand, the complement: ALDH6A1 is on the minus strand). VCF-style: chr14-74065227-T-C. GRCh37 (hg19) VCF-style: chr14-74531930-T-C.
Other names: c.1319A>G, p.Asn440Ser (NM_001278593.2); c.896A>G, p.Asn299Ser (NM_001278594.2); c.*528T>C (NM_025057.3); short protein forms N299S, N440S, N453S.
Identifiers: ClinVar variation 2176714 (VCV002176714.2), dbSNP rs757981230, ClinGen allele CA7265648.
Genomic context (GRCh38, chr14:74,065,227, plus strand): 5'-TTCTGTTCACGAACCTGTCCAACATCCACCAAGTGGGCATATTTCCGAGCAGTGGCTCCA[T>C]TGGTGGTGAAGATGGCAGTTCCATTTCCATATGGGTTGTTATTTACAATCTGGATGGCTT-3'
Protein context (NP_005580.1, residues 443-463): YGNGTAIFTT[Asn453Ser]GATARKYAHL